The following is an entry in ClinVar:

NM_001101.5(ACTB):c.548G>A (p.Arg183Gln)

Gene: ACTB (actin beta; minus strand). Cytogenetic location: 7p22.1.
Variant type: single nucleotide variant.
Coding change: c.548G>A on transcript NM_001101.5 (MANE Select); coding-DNA position 548, G replaced by A.
Protein change: p.Arg183Gln; replaces arginine 183 with glutamine.
Molecular consequence: missense variant.
Genome position (GRCh38, 1-based): chr7:5,528,535, C>T on the plus strand (G>A on the coding strand, the complement: ACTB is on the minus strand). VCF-style: chr7-5528535-C-T. GRCh37 (hg19) VCF-style: chr7-5568166-C-T.
Other names: short protein forms R183Q.
Identifiers: ClinVar variation 1676923 (VCV001676923.9), dbSNP rs11546934, ClinGen allele CA366702944.

ClinVar aggregate classification (germline): Conflicting classifications of pathogenicity. Review status: criteria provided, conflicting classifications (1 of 4 stars). 3 submissions from 3 submitters: Likely pathogenic (2); Uncertain significance (1). Last evaluated 2024-11-15.

Conditions:
Baraitser-Winter syndrome 1 (BRWS1). Also called: PACHYGYRIA, MENTAL RETARDATION, EPILEPSY, AND CHARACTERISTIC FACIES; MENTAL RETARDATION WITH EPILEPSY AND CHARACTERISTIC FACIES; Cerebrofrontofacial syndrome; BARAITSER-WINTER SYNDROME 1, ATYPICAL. Identifiers: Orphanet 2649, Orphanet 2995, MedGen C1855722, MONDO:0009470, OMIM 243310.
ACTB-related disorder. Also called: ACTB-related disorders; ACTB-related condition.

Submissions (3):

Blueprint Genetics
Classification: Likely pathogenic for ACTB-related disorders. Last evaluated: 2024-11-15. Review status: criteria provided, single submitter. Criteria: ACMG Guidelines, 2015. Collection method: clinical testing. Allele origin: germline. Affected: yes. Observed: 1 variant allele.

GeneDx
Classification: Likely pathogenic. Last evaluated: 2023-12-08. Review status: criteria provided, single submitter. Criteria: GeneDx Variant Classification Process June 2021. Collection method: clinical testing. Allele origin: germline. Affected: yes.
Comment: Not observed at significant frequency in large population cohorts (gnomAD); Missense variants in this gene are a common cause of disease and they are underrepresented in the general population; In silico analysis supports that this missense variant has a deleterious effect on protein structure/function; Has not been previously published as pathogenic or benign to our knowledge; This variant is associated with the following publications: (PMID: 27862284, 28487785)

Labcorp Genetics (formerly Invitae), Labcorp
Classification: Uncertain significance for Baraitser-Winter syndrome 1. Last evaluated: 2023-09-04. Review status: criteria provided, single submitter. Criteria: Invitae Variant Classification Sherloc (09022015). Collection method: clinical testing. Allele origin: germline.
Comment: This variant is not present in population databases (gnomAD no frequency). This sequence change replaces arginine, which is basic and polar, with glutamine, which is neutral and polar, at codon 183 of the ACTB protein (p.Arg183Gln). Advanced modeling of protein sequence and biophysical properties (such as structural, functional, and spatial information, amino acid conservation, physicochemical variation, residue mobility, and thermodynamic stability) performed at Invitae indicates that this missense variant is not expected to disrupt ACTB protein function. This variant has not been reported in the literature in individuals affected with ACTB-related conditions. ClinVar contains an entry for this variant (Variation ID: 1676923). This variant disrupts the p.Arg183 amino acid residue in ACTB. Other variant(s) that disrupt this residue have been determined to be pathogenic (PMID: 16685646, 28849312, 33446253). This suggests that this residue is clinically significant, and that variants that disrupt this residue are likely to be disease-causing. In summary, the available evidence is currently insufficient to determine the role of this variant in disease. Therefore, it has been classified as a Variant of Uncertain Significance.

Literature cited by the submitters: PubMed 16685646 (cited by Labcorp Genetics (formerly Invitae), Labcorp); PubMed 28849312 (cited by Labcorp Genetics (formerly Invitae), Labcorp); PubMed 33446253 (cited by Labcorp Genetics (formerly Invitae), Labcorp).